The following is an entry in ClinVar:

ClinVar aggregate classification (germline): Pathogenic (1 of 4 stars; one submission).

Conditions:
Hereditary breast ovarian cancer syndrome. Also called: Hereditary breast and/or ovarian cancer syndrome; Hereditary breast and ovarian cancer syndrome (HBOC); Breast and ovarian cancer; Hereditary breast and ovarian cancer; BRCA1- and BRCA2-Associated Hereditary Breast and Ovarian Cancer; Hereditary breast and ovarian cancer syndrome. Identifiers: Orphanet 145, MedGen C0677776, MeSH D061325, MONDO:0003582. Disease mechanism: loss of function.

Submission:

Labcorp Genetics (formerly Invitae), Labcorp
Classification: Pathogenic for Hereditary breast and ovarian cancer syndrome. Last evaluated: 2019-03-03. Review status: criteria provided, single submitter. Criteria: Invitae Variant Classification Sherloc (09022015). Collection method: clinical testing. Allele origin: germline.
Comment: This variant is a gross deletion of the genomic region encompassing exons 8-23 of the BRCA1 gene. The 5' boundary is likely confined to intron 7. The 3' end of this event is unknown as it extends through the termination codon beyond the assayed region for this gene and may encompass additional genes. While this deletion is not anticipated to result in nonsense mediated decay, it is expected to create a truncated protein product or disrupt mRNA translation. This variant has not been reported in the literature in individuals with BRCA1-related conditions. This deletion is expected to remove the BRCT domain of the BRCA1 protein, which is important for DNA repair activity (PMID: 25652403, 14576433, 15133503). Sub-genic deletion of exons 20-23 (also known as deletion of exons 21-24) has been determined to be pathogenic (PMID: 16551709, 22544547, 20232141, 17688236, Invitae). Therefore, deletions that fully encompass that region are also expected to be pathogenic. For these reasons, this variant has been classified as Pathogenic.

Literature cited by the submitters: PubMed 15133503; PubMed 22544547; PubMed 20232141; PubMed 17688236; PubMed 16551709; PubMed 14576433; PubMed 25652403.

NC_000017.11:g.(?_43045658)_(43097309_?)del

Gene: BRCA1 (BRCA1 DNA repair associated; minus strand). Cytogenetic location: 17q21.31.
Variant type: Deletion.
Identifiers: ClinVar variation 831915 (VCV000831915.1).